The following is an entry in ClinVar:

NM_000057.4(BLM):c.79C>T (p.Leu27Phe)

Gene: BLM (BLM RecQ like helicase; plus strand). Cytogenetic location: 15q26.1.
Variant type: single nucleotide variant.
Coding change: c.79C>T on transcript NM_000057.4 (MANE Select); coding-DNA position 79, C replaced by T.
Protein change: p.Leu27Phe; replaces leucine 27 with phenylalanine.
Molecular consequence: missense variant. On other transcripts: 5 prime UTR variant (1).
Genome position (GRCh38, 1-based): chr15:90,747,471, C>T. VCF-style: chr15-90747471-C-T. GRCh37 (hg19) VCF-style: chr15-91290701-C-T.
Other names: c.79C>T, p.Leu27Phe (NM_001287246.2, NM_001287247.2); c.-1213C>T (NM_001287248.2); short protein forms L27F.
Identifiers: ClinVar variation 1761571 (VCV001761571.5), dbSNP rs1368566341, ClinGen allele CA393838977.

ClinVar aggregate classification (germline): Uncertain significance. Review status: criteria provided, multiple submitters, no conflicts (2 of 4 stars). 2 submissions from 2 submitters: Uncertain significance (2). Last evaluated 2023-07-12.

Conditions:
Hereditary cancer-predisposing syndrome. Also called: Neoplastic Syndromes, Hereditary; Tumor predisposition; Hereditary Cancer Syndrome; Hereditary neoplastic syndrome. Identifiers: Orphanet 140162, MedGen C0027672, MeSH D009386, MONDO:0015356.
Bloom syndrome (BLM). Also called: Bloom-Torre-Machacek syndrome. Identifiers: Orphanet 125, MedGen C0005859, MONDO:0008876, OMIM 210900.

Submissions (2):

Labcorp Genetics (formerly Invitae), Labcorp
Classification: Uncertain significance for Bloom syndrome. Last evaluated: 2023-07-12. Review status: criteria provided, single submitter. Criteria: Invitae Variant Classification Sherloc (09022015). Collection method: clinical testing. Allele origin: germline.
Comment: In summary, the available evidence is currently insufficient to determine the role of this variant in disease. Therefore, it has been classified as a Variant of Uncertain Significance. Algorithms developed to predict the effect of missense changes on protein structure and function output the following: SIFT: "Not Available"; PolyPhen-2: "Benign"; Align-GVGD: "Not Available". The phenylalanine amino acid residue is found in multiple mammalian species, which suggests that this missense change does not adversely affect protein function. ClinVar contains an entry for this variant (Variation ID: 1761571). This variant has not been reported in the literature in individuals affected with BLM-related conditions. This variant is not present in population databases (gnomAD no frequency). This sequence change replaces leucine, which is neutral and non-polar, with phenylalanine, which is neutral and non-polar, at codon 27 of the BLM protein (p.Leu27Phe).

Ambry Genetics
Classification: Uncertain significance for Hereditary cancer-predisposing syndrome. Last evaluated: 2021-07-20. Review status: criteria provided, single submitter. Criteria: Ambry Variant Classification Scheme 2023. Collection method: clinical testing. Allele origin: germline.
Comment: The p.L27F variant (also known as c.79C>T), located in coding exon 1 of the BLM gene, results from a C to T substitution at nucleotide position 79. The leucine at codon 27 is replaced by phenylalanine, an amino acid with highly similar properties. This amino acid position is conserved. In addition, this alteration is predicted to be tolerated by in silico analysis. Since supporting evidence is limited at this time, the clinical significance of this alteration remains unclear.